The following is an entry in ClinVar:

ClinVar aggregate classification (germline): Uncertain significance. Review status: criteria provided, multiple submitters, no conflicts (2 of 4 stars). 2 submissions from 2 submitters: Uncertain significance (2). Last evaluated 2026-10-15.

Conditions:
Cardiovascular phenotype. Identifiers: MedGen CN230736.

Allele frequency attached by ClinVar (database versions not stated): gnomAD exomes 0.00001; TOPMed below 0.00001; gnomAD 0.00001.
gnomAD v4.1: 9 of 1,613,102 alleles (0.00056%); highest among the groups gnomAD compares: Non-Finnish European, 0.00068%; no homozygotes.

Submissions (2):

GeneDx
Classification: Uncertain significance. Last evaluated: 2026-10-15. Review status: criteria provided, single submitter. Criteria: GeneDx Variant Classification Process June 2021. Collection method: clinical testing. Allele origin: germline.
Comment: Not observed at significant frequency in large population cohorts (gnomAD); In silico analysis supports a deleterious effect on splicing; Has not been previously published as pathogenic or benign to our knowledge; Variants in candidate genes are classified as variants of uncertain significance in accordance with ACMG guidelines (PMID: 25741868)

Ambry Genetics
Classification: Uncertain significance for Cardiovascular phenotype. Last evaluated: 2024-01-17. Review status: criteria provided, single submitter. Criteria: Ambry Variant Classification Scheme 2023. Collection method: clinical testing. Allele origin: germline.
Comment: The c.1182+5G>A intronic variant results from a G to A substitution 5 nucleotides after coding exon 13 in the TXNRD2 gene. This nucleotide position is highly conserved in available vertebrate species. In silico splice site analysis predicts that this alteration will weaken the native splice donor site. The evidence for this gene-disease relationship is limited; therefore, the clinical significance of this alteration is unclear.

NM_006440.5(TXNRD2):c.1182+5G>A

Gene: TXNRD2 (thioredoxin reductase 2; minus strand). Cytogenetic location: 22q11.21.
Variant type: single nucleotide variant.
Coding change: c.1182+5G>A on transcript NM_006440.5 (MANE Select); 5 bases into the intron after coding-DNA position 1182, G replaced by A.
Molecular consequence: intron variant.
Genome position (GRCh38, 1-based): chr22:19,880,617, C>T on the plus strand (G>A on the coding strand, the complement: TXNRD2 is on the minus strand). VCF-style: chr22-19880617-C-T. GRCh37 (hg19) VCF-style: chr22-19868140-C-T.
Other names: c.1179+5G>A (NM_001352300.2); c.894+5G>A (NM_001352302.2); c.1092+5G>A (NM_001352301.2).
Identifiers: ClinVar variation 3225587 (VCV003225587.3), dbSNP rs1938724097, ClinGen allele CA1024152375.